The following is an entry in ClinVar:

ClinVar aggregate classification (germline): Uncertain significance. Review status: criteria provided, multiple submitters, no conflicts (2 of 4 stars). 3 submissions from 3 submitters: Uncertain significance (3). Last evaluated 2025-04-14.

Conditions:
Familial adenomatous polyposis 4 (FAP4). Also called: MSH3-related attenuated familial adenomatous polyposis. Identifiers: Orphanet 480536, MedGen C4310719, MONDO:0044300, OMIM 617100.
Hereditary cancer-predisposing syndrome. Also called: Tumor predisposition; Hereditary neoplastic syndrome; Hereditary Cancer Syndrome; Neoplastic Syndromes, Hereditary. Identifiers: Orphanet 140162, MedGen C0027672, MeSH D009386, MONDO:0015356.

Allele frequency attached by ClinVar (database versions not stated): gnomAD below 0.00001 and 0.00001; gnomAD exomes 0.00001 and 0.00002; ExAC 0.00004; 1000 Genomes Project 30x 0.00016; 1000 Genomes Project 0.00020.
gnomAD v4.1: 17 of 1,613,868 alleles (0.0011%); highest among the groups gnomAD compares: South Asian, 0.019%; no homozygotes.

Submissions (3):

Labcorp Genetics (formerly Invitae), Labcorp
Classification: Uncertain significance. Last evaluated: 2025-04-14. Review status: criteria provided, single submitter. Criteria: Invitae Variant Classification Sherloc (09022015). Collection method: clinical testing. Allele origin: germline.
Comment: This sequence change falls in intron 8 of the MSH3 gene. It does not directly change the encoded amino acid sequence of the MSH3 protein. It affects a nucleotide within the consensus splice site. This variant is present in population databases (rs543052130, gnomAD 0.01%). This variant has not been reported in the literature in individuals affected with MSH3-related conditions. ClinVar contains an entry for this variant (Variation ID: 964440). Variants that disrupt the consensus splice site are a relatively common cause of aberrant splicing (PMID: 17576681, 9536098). Studies have shown that this variant is associated with inconclusive levels of altered splicing (internal data). In summary, the available evidence is currently insufficient to determine the role of this variant in disease. Therefore, it has been classified as a Variant of Uncertain Significance.

Ambry Genetics
Classification: Uncertain significance for Hereditary cancer-predisposing syndrome. Last evaluated: 2025-01-24. Review status: criteria provided, single submitter. Criteria: Ambry Variant Classification Scheme 2023. Collection method: clinical testing. Allele origin: germline.
Comment: The c.1340+4A>C intronic variant results from an A to C substitution 4 nucleotides after coding exon 8 in the MSH3 gene. This nucleotide position is not well conserved in available vertebrate species. In silico splice site analysis predicts that this alteration will not have any significant effect on splicing. Based on the available evidence, the clinical significance of this variant remains unclear.

Department of Pathology and Laboratory Medicine, Sinai Health System
Classification: Uncertain significance for familial adenomatous polyposis 4. Last evaluated: 2024-10-21. Review status: criteria provided, single submitter. Criteria: ACMG Guidelines, 2015. Collection method: clinical testing. Allele origin: germline.

Literature cited by the submitters: PubMed 17576681 (cited by Labcorp Genetics (formerly Invitae), Labcorp); PubMed 9536098 (cited by Labcorp Genetics (formerly Invitae), Labcorp).

NM_002439.5(MSH3):c.1340+4A>C

Gene: MSH3 (mutS homolog 3; plus strand). Cytogenetic location: 5q14.1.
Variant type: single nucleotide variant.
Coding change: c.1340+4A>C on transcript NM_002439.5 (MANE Select); 4 bases into the intron after coding-DNA position 1340, A replaced by C.
Molecular consequence: intron variant.
Genome position (GRCh38, 1-based): chr5:80,679,097, A>C. VCF-style: chr5-80679097-A-C. GRCh37 (hg19) VCF-style: chr5-79974916-A-C.
Identifiers: ClinVar variation 964440 (VCV000964440.11), dbSNP rs543052130, ClinGen allele CA3327864.
Genomic context (GRCh38, chr5:80,679,097, plus strand): 5'-TCCTTCGGCCTTGTCCGAGCAAACAGAGGCGCTCATCCACAGAGCCACATCTGTTAGGTA[A>C]GTTGGCACATCACTGGAATATAATACCGATTCTGAAACTTAGGTTTAGTTCCAAAACTGA-3'